The following is an entry in ClinVar:

NM_153717.3(EVC):c.1247G>A (p.Arg416Gln)

Gene: EVC (EvC ciliary complex subunit 1; plus strand). Cytogenetic location: 4p16.2.
Variant type: single nucleotide variant.
Coding change: c.1247G>A on transcript NM_153717.3 (MANE Select); coding-DNA position 1247, G replaced by A.
Protein change: p.Arg416Gln; replaces arginine 416 with glutamine.
Molecular consequence: missense variant.
Genome position (GRCh38, 1-based): chr4:5,752,984, G>A. VCF-style: chr4-5752984-G-A. GRCh37 (hg19) VCF-style: chr4-5754711-G-A.
Other names: c.1247G>A, p.Arg416Gln (NM_001306090.2, NM_001306092.2); short protein forms R416Q.
Identifiers: ClinVar variation 287859 (VCV000287859.8), dbSNP rs745640537, ClinGen allele CA2836040.

ClinVar aggregate classification (germline): Uncertain significance. Review status: criteria provided, multiple submitters, no conflicts (2 of 4 stars). 3 submissions from 3 submitters: Uncertain significance (3). Last evaluated 2025-04-01.

Conditions:
Curry-Hall syndrome (WAD). Also called: WEYERS ACRODENTAL DYSOSTOSIS. Identifiers: Orphanet 952, MedGen C0457013, MONDO:0008673, OMIM 193530.
Ellis-van Creveld syndrome (EVC). Also called: Chondroectodermal dysplasia; MESOECTODERMAL DYSPLASIA; EVC-Related Ellis-van Creveld Syndrome; EVC2-Related Ellis-van Creveld Syndrome. Identifiers: Orphanet 289, MedGen C0013903, MONDO:0009162, OMIM 225500.

Allele frequency attached by ClinVar (database versions not stated): ExAC 0.00001; gnomAD 0.00001; gnomAD exomes 0.00001; TOPMed 0.00002.
gnomAD v4.1: 12 of 1,613,370 alleles (0.00074%); highest among the groups gnomAD compares: African/African-American, 0.004%; no homozygotes.

Submissions (3):

Women's Health and Genetics/Laboratory Corporation of America, LabCorp
Classification: Uncertain significance. Last evaluated: 2025-04-01. Review status: criteria provided, single submitter. Criteria: LabCorp Variant Classification Summary - May 2015. Collection method: clinical testing. Allele origin: germline.
Comment: Variant summary: EVC c.1247G>A (p.Arg416Gln) results in a conservative amino acid change in the encoded protein sequence. Five of five in-silico tools predict a benign effect of the variant on protein function. The variant allele was found at a frequency of 8.1e-06 in 247822 control chromosomes. The available data on variant occurrences in the general population are insufficient to allow any conclusion about variant significance. To our knowledge, no occurrence of c.1247G>A in individuals affected with Ellis-van Creveld syndrome and no experimental evidence demonstrating its impact on protein function have been reported. ClinVar contains an entry for this variant (Variation ID: 287859). Based on the evidence outlined above, the variant was classified as uncertain significance.

Labcorp Genetics (formerly Invitae), Labcorp
Classification: Uncertain significance for Curry-Hall syndrome; Ellis-van Creveld syndrome. Last evaluated: 2022-10-25. Review status: criteria provided, single submitter. Criteria: Invitae Variant Classification Sherloc (09022015). Collection method: clinical testing. Allele origin: germline.
Comment: This sequence change replaces arginine, which is basic and polar, with glutamine, which is neutral and polar, at codon 416 of the EVC protein (p.Arg416Gln). This variant is present in population databases (rs745640537, gnomAD 0.002%). This variant has not been reported in the literature in individuals affected with EVC-related conditions. ClinVar contains an entry for this variant (Variation ID: 287859). Advanced modeling of protein sequence and biophysical properties (such as structural, functional, and spatial information, amino acid conservation, physicochemical variation, residue mobility, and thermodynamic stability) performed at Invitae indicates that this missense variant is not expected to disrupt EVC protein function. In summary, the available evidence is currently insufficient to determine the role of this variant in disease. Therefore, it has been classified as a Variant of Uncertain Significance.

Eurofins Ntd Llc (ga)
Classification: Uncertain significance. Last evaluated: 2016-05-20. Review status: criteria provided, single submitter. Criteria: EGL Classification Definitions 2015. Collection method: clinical testing. Allele origin: germline. Observed: 1 variant allele, 1 heterozygote.